The following is an entry in ClinVar:

NM_006245.4(PPP2R5D):c.1225A>G (p.Lys409Glu)

Gene: PPP2R5D (protein phosphatase 2 regulatory subunit B'delta; plus strand). Cytogenetic location: 6p21.1.
Variant type: single nucleotide variant.
Coding change: c.1225A>G on transcript NM_006245.4 (MANE Select); coding-DNA position 1225, A replaced by G.
Protein change: p.Lys409Glu; replaces lysine 409 with glutamic acid.
Molecular consequence: missense variant.
Genome position (GRCh38, 1-based): chr6:43,009,201, A>G. VCF-style: chr6-43009201-A-G. GRCh37 (hg19) VCF-style: chr6-42976939-A-G.
Other names: c.772A>G, p.Lys258Glu (NM_001270476.2); c.1129A>G, p.Lys377Glu (NM_180976.3); c.907A>G, p.Lys303Glu (NM_180977.3); short protein forms K258E, K409E, K303E, K377E.
Identifiers: ClinVar variation 3658756 (VCV003658756.2).

ClinVar aggregate classification (germline): Uncertain significance (1 of 4 stars; one submission).

Submission:

Labcorp Genetics (formerly Invitae), Labcorp
Classification: Uncertain significance. Last evaluated: 2024-07-04. Review status: criteria provided, single submitter. Criteria: Invitae Variant Classification Sherloc (09022015). Collection method: clinical testing. Allele origin: germline.
Comment: This sequence change replaces lysine, which is basic and polar, with glutamic acid, which is acidic and polar, at codon 409 of the PPP2R5D protein (p.Lys409Glu). This variant is not present in population databases (gnomAD no frequency). This variant has not been reported in the literature in individuals affected with PPP2R5D-related conditions. An algorithm developed to predict the effect of missense changes on protein structure and function (PolyPhen-2) suggests that this variant is likely to be tolerated. In summary, the available evidence is currently insufficient to determine the role of this variant in disease. Therefore, it has been classified as a Variant of Uncertain Significance.